The following is an entry in ClinVar:

NM_005477.3(HCN4):c.2939G>C (p.Gly980Ala)

Gene: HCN4 (hyperpolarization activated cyclic nucleotide gated potassium channel 4; minus strand). Cytogenetic location: 15q24.1.
Variant type: single nucleotide variant.
Coding change: c.2939G>C on transcript NM_005477.3 (MANE Select); coding-DNA position 2939, G replaced by C.
Protein change: p.Gly980Ala; replaces glycine 980 with alanine.
Molecular consequence: missense variant.
Genome position (GRCh38, 1-based): chr15:73,323,154, C>G on the plus strand (G>C on the coding strand, the complement: HCN4 is on the minus strand). VCF-style: chr15-73323154-C-G. GRCh37 (hg19) VCF-style: chr15-73615495-C-G.
Other names: short protein forms G980A.
Identifiers: ClinVar variation 650000 (VCV000650000.13), dbSNP rs367719274, ClinGen allele CA7648918.

ClinVar aggregate classification (germline): Uncertain significance. Review status: criteria provided, multiple submitters, no conflicts (2 of 4 stars). 3 submissions from 3 submitters: Uncertain significance (3). Last evaluated 2025-11-23.

Conditions:
Brugada syndrome 8 (BRGDA8). Identifiers: Orphanet 130, MedGen C2751083, MONDO:0013148, OMIM 613123.
Epilepsy, idiopathic generalized, susceptibility to, 18. Identifiers: MedGen C5561983, MONDO:0030434, OMIM 619521.
Sick sinus syndrome 2, autosomal dominant (SSS2). Also called: SINUS BRADYCARDIA SYNDROME, FAMILIAL, AUTOSOMAL DOMINANT; SINUS NODE DISEASE, FAMILIAL, AUTOSOMAL DOMINANT; SICK SINUS SYNDROME 2; SICK SINUS SYNDROME 2 WITH OR WITHOUT CARDIAC NONCOMPACTION AND/OR ASCENDING AORTA DILATION; ATRIAL FIBRILLATION WITH BRADYARRHYTHMIA. Identifiers: Orphanet 166282, MedGen C1834144, MONDO:0008102, OMIM 163800.
Cardiovascular phenotype. Identifiers: MedGen CN230736.

Allele frequency attached by ClinVar (database versions not stated): gnomAD exomes below 0.00001 and 0.00001; gnomAD 0.00001; ExAC 0.00003; ESP Exome Variant Server 0.00008.
gnomAD v4.1: 5 of 1,576,116 alleles (0.00032%); highest among the groups gnomAD compares: Non-Finnish European, 0.00043%; no homozygotes.

Submissions (3):

Labcorp Genetics (formerly Invitae), Labcorp
Classification: Uncertain significance for Brugada syndrome 8. Last evaluated: 2025-11-23. Review status: criteria provided, single submitter. Criteria: Invitae Variant Classification Sherloc (09022015). Collection method: clinical testing. Allele origin: germline.
Comment: This sequence change replaces glycine, which is neutral and non-polar, with alanine, which is neutral and non-polar, at codon 980 of the HCN4 protein (p.Gly980Ala). This variant is present in population databases (rs367719274, gnomAD 0.002%). This variant has not been reported in the literature in individuals affected with HCN4-related conditions. ClinVar contains an entry for this variant (Variation ID: 650000). Invitae Evidence Modeling of protein sequence and biophysical properties (such as structural, functional, and spatial information, amino acid conservation, physicochemical variation, residue mobility, and thermodynamic stability) indicates that this missense variant is not expected to disrupt HCN4 protein function with a negative predictive value of 95%. In summary, the available evidence is currently insufficient to determine the role of this variant in disease. Therefore, it has been classified as a Variant of Uncertain Significance.

Ambry Genetics
Classification: Uncertain significance for Cardiovascular phenotype. Last evaluated: 2023-07-27. Review status: criteria provided, single submitter. Criteria: Ambry Variant Classification Scheme 2023. Collection method: clinical testing. Allele origin: germline.
Comment: The p.G980A variant (also known as c.2939G>C), located in coding exon 8 of the HCN4 gene, results from a G to C substitution at nucleotide position 2939. The glycine at codon 980 is replaced by alanine, an amino acid with similar properties. This amino acid position is well conserved in available vertebrate species; however, alanine is the reference amino acid in other vertebrate species. In addition, the in silico prediction for this alteration is inconclusive. Since supporting evidence is limited at this time, the clinical significance of this alteration remains unclear.

Fulgent Genetics
Classification: Uncertain significance for Sick sinus syndrome 2, autosomal dominant; Brugada syndrome 8; Epilepsy, idiopathic generalized, susceptibility to, 18. Last evaluated: 2021-10-20. Review status: criteria provided, single submitter. Criteria: ACMG Guidelines, 2015. Collection method: clinical testing. Allele origin: unknown.